The following is an entry in ClinVar:

NM_000059.4(BRCA2):c.517-19C>T

Gene: BRCA2 (BRCA2 DNA repair associated; plus strand). Cytogenetic location: 13q13.1.
Variant type: single nucleotide variant.
Coding change: c.517-19C>T on transcript NM_000059.4 (MANE Select); 19 bases into the intron before coding-DNA position 517, C replaced by T.
Molecular consequence: intron variant.
Genome position (GRCh38, 1-based): chr13:32,326,480, C>T. VCF-style: chr13-32326480-C-T. GRCh37 (hg19) VCF-style: chr13-32900617-C-T.
Other names: IVS6-19C>T; IVS 6-19C>T; p.?.
Identifiers: ClinVar variation 51799 (VCV000051799.65), dbSNP rs11571623, ClinGen allele CA021557.
Genomic context (GRCh38, chr13:32,326,480, plus strand): 5'-ATAAAGAGTGAATGAAAAAATAATATCCTTAATGATCAGGGCATTTCTATAAAAAATAAA[C>T]TATTTTCTTTCCTCCCAGGGTCGTCAGACACCAAAACATATTTCTGAAAGTCTAGGAGCT-3'

ClinVar aggregate classification (germline): Benign. Review status: reviewed by expert panel (3 of 4 stars). 26 submissions from 25 submitters: Benign (1). 25 of the submissions do not count toward it. Last evaluated 2015-01-12.

Conditions:
Breast and/or ovarian cancer. Identifiers: MedGen CN221562.
Hereditary cancer-predisposing syndrome. Also called: Neoplastic Syndromes, Hereditary; Tumor predisposition; Hereditary Cancer Syndrome; Hereditary neoplastic syndrome. Identifiers: Orphanet 140162, MedGen C0027672, MeSH D009386, MONDO:0015356.
Hereditary breast ovarian cancer syndrome. Also called: Breast and ovarian cancer; BRCA1- and BRCA2-Associated Hereditary Breast and Ovarian Cancer; Hereditary breast and ovarian cancer syndrome; Hereditary breast and/or ovarian cancer syndrome; Hereditary breast and ovarian cancer syndrome (HBOC); Hereditary breast and ovarian cancer. Identifiers: Orphanet 145, MedGen C0677776, MeSH D061325, MONDO:0003582. Disease mechanism: loss of function.
Breast-ovarian cancer, familial, susceptibility to, 2 (BROVCA2). Also called: BRCA2 Hereditary Breast and Ovarian Cancer. Identifiers: Orphanet 145, MedGen C2675520, MONDO:0012933, OMIM 612555. Disease mechanism: loss of function.
Familial cancer of breast. Also called: Hereditary breast cancer; hereditary breast carcinoma; BREAST CANCER, FAMILIAL. Identifiers: Orphanet 227535, MedGen C0346153, MONDO:0016419, OMIM 114480. Disease mechanism: loss of function.

Allele frequency attached by ClinVar (database versions not stated): gnomAD exomes 0.00060 and 0.00171; ExAC 0.00219; gnomAD 0.00653 and 0.00693; TOPMed 0.00735; ESP Exome Variant Server 0.00738; 1000 Genomes Project 30x 0.00812; 1000 Genomes Project 0.00819.
gnomAD v4.1: 1,873 of 1,558,518 alleles (0.12%); highest among the groups gnomAD compares: African/African-American, 2.2%; 16 homozygotes.

Submissions (26):

Evidence-based Network for the Interpretation of Germline Mutant Alleles (ENIGMA)
Classification: Benign for Breast-ovarian cancer, familial 2. Last evaluated: 2015-01-12. Review status: reviewed by expert panel. Criteria: ENIGMA BRCA1/2 Classification Criteria (2015). Collection method: curation. Allele origin: germline.
Comment: Class 1 not pathogenic based on frequency >1% in an outbred sampleset. Frequency 0.02846 (African), derived from 1000 genomes (2012-04-30).

Labcorp Genetics (formerly Invitae), Labcorp
Classification: Benign for Hereditary breast ovarian cancer syndrome. Last evaluated: 2026-02-04. Review status: criteria provided, single submitter. Criteria: Invitae Variant Classification Sherloc (09022015). Collection method: clinical testing. Allele origin: germline. Not counted in ClinVar's aggregate classification.

ARUP Laboratories, Molecular Genetics and Genomics, ARUP Laboratories
Classification: Benign. Last evaluated: 2025-04-11. Review status: criteria provided, single submitter. Criteria: ARUP Molecular Germline Variant Investigation Process 2024. Collection method: clinical testing. Allele origin: germline. Not counted in ClinVar's aggregate classification.

Center for Genomic Medicine, Rigshospitalet, Copenhagen University Hospital
Classification: Benign. Last evaluated: 2025-03-04. Review status: criteria provided, single submitter. Criteria: ACMG Guidelines, 2015. Collection method: clinical testing. Allele origin: germline. Not counted in ClinVar's aggregate classification.

KCCC/NGS Laboratory, Kuwait Cancer Control Center
Classification: Benign for Familial cancer of breast. Last evaluated: 2025-02-01. Review status: criteria provided, single submitter. Criteria: ACMG Guidelines, 2015. Collection method: clinical testing. Allele origin: germline. Affected: no. Not counted in ClinVar's aggregate classification.

Blueprint Genetics
Classification: Benign. Last evaluated: 2024-11-27. Review status: criteria provided, single submitter. Criteria: ACMG Guidelines, 2015. Collection method: clinical testing. Allele origin: germline. Not counted in ClinVar's aggregate classification.

Mayo Clinic Laboratories, Mayo Clinic
Classification: Benign. Last evaluated: 2023-11-15. Review status: criteria provided, single submitter. Criteria: ACMG Guidelines, 2015. Collection method: clinical testing. Allele origin: germline. Observed: 11 variant alleles. Not counted in ClinVar's aggregate classification.
Comment: BA1, BP4

KCCC/NGS Laboratory, Kuwait Cancer Control Center
Classification: Benign for Breast-ovarian cancer, familial, susceptibility to, 2. Last evaluated: 2023-07-07. Review status: criteria provided, single submitter. Criteria: ACMG Guidelines, 2015. Collection method: clinical testing. Allele origin: germline. Affected: yes. Not counted in ClinVar's aggregate classification.

National Health Laboratory Service, Universitas Academic Hospital and University of the Free State
Classification: Benign for Hereditary breast ovarian cancer syndrome. Last evaluated: 2022-04-19. Review status: criteria provided, single submitter. Criteria: ACMG Guidelines, 2015. Collection method: clinical testing. Allele origin: germline. Affected: yes. Observed: 19 variant alleles. Not counted in ClinVar's aggregate classification.

CHEO Genetics Diagnostic Laboratory, Children's Hospital of Eastern Ontario
Classification: Benign for Breast and/or ovarian cancer. Last evaluated: 2022-04-01. Review status: criteria provided, single submitter. Criteria: ACMG Guidelines, 2015. Collection method: clinical testing. Allele origin: germline. Not counted in ClinVar's aggregate classification.

Institute for Biomarker Research, Medical Diagnostic Laboratories, L.L.C.
Classification: Likely benign for Hereditary cancer-predisposing syndrome. Last evaluated: 2018-05-23. Review status: criteria provided, single submitter. Criteria: ACMG Guidelines, 2015. Collection method: clinical testing. Allele origin: germline. Not counted in ClinVar's aggregate classification.

Department of Pathology and Laboratory Medicine, Sinai Health System
Classification: Likely benign. Last evaluated: 2017-10-25. Review status: criteria provided, single submitter. Criteria: ACMG Guidelines, 2015. Collection method: clinical testing. Allele origin: germline. Affected: yes. Study: Canadian Open Genetics Repository (COGR). Not counted in ClinVar's aggregate classification.

Clinical Genetics DNA and cytogenetics Diagnostics Lab, Erasmus MC, Erasmus Medical Center
Classification: Likely benign for Breast-ovarian cancer, familial, susceptibility to, 2. Last evaluated: 2017-05-31. Review status: criteria provided, single submitter. Criteria: ACGS Guidelines, 2013. Collection method: clinical testing. Allele origin: germline. Affected: yes. Study: VKGL Data-share Consensus. Not counted in ClinVar's aggregate classification.

Baylor Genetics
Classification: Benign for Familial cancer of breast. Last evaluated: 2017-02-23. Review status: criteria provided, single submitter. Criteria: ACMG Guidelines, 2015. Collection method: clinical testing. Allele origin: germline. Inheritance: Autosomal dominant inheritance. Affected: no. Not counted in ClinVar's aggregate classification.

PreventionGenetics, part of Exact Sciences
Classification: Benign. Last evaluated: 2016-11-02. Review status: criteria provided, single submitter. Criteria: ACMG Guidelines, 2015. Collection method: clinical testing. Allele origin: germline. Not counted in ClinVar's aggregate classification.

Molecular Genetics Laboratory, University of Michigan
Classification: Benign for Breast-ovarian cancer, familial, susceptibility to, 2. Last evaluated: 2016-04-21. Review status: criteria provided, single submitter. Criteria: ACMG Guidelines, 2015. Collection method: clinical testing. Allele origin: germline. Affected: yes. Not counted in ClinVar's aggregate classification.

Eurofins Ntd Llc (ga)
Classification: Benign. Last evaluated: 2015-01-23. Review status: criteria provided, single submitter. Criteria: EGL Classification Definitions 2015. Collection method: clinical testing. Allele origin: germline. Observed: 1 variant allele, 1 heterozygote. Not counted in ClinVar's aggregate classification.

Color Diagnostics, LLC DBA Color Health
Classification: Benign for Hereditary cancer-predisposing syndrome. Last evaluated: 2014-12-05. Review status: criteria provided, single submitter. Criteria: ACMG Guidelines, 2015. Collection method: clinical testing. Allele origin: germline. Not counted in ClinVar's aggregate classification.

Ambry Genetics
Classification: Benign for Hereditary cancer-predisposing syndrome. Last evaluated: 2014-11-19. Review status: criteria provided, single submitter. Criteria: Ambry Variant Classification Scheme 2023. Collection method: clinical testing. Allele origin: germline. Not counted in ClinVar's aggregate classification.

Women's Health and Genetics/Laboratory Corporation of America, LabCorp
Classification: Benign for Hereditary breast ovarian cancer syndrome. Last evaluated: 2014-02-21. Review status: criteria provided, single submitter. Criteria: LabCorp Variant Classification Summary - May 2015. Collection method: clinical testing. Allele origin: germline. Not counted in ClinVar's aggregate classification.

GeneDx
Classification: Benign. Last evaluated: 2013-10-22. Review status: criteria provided, single submitter. Criteria: GeneDx Variant Classification (06012015). Collection method: clinical testing. Allele origin: germline. Affected: yes. Not counted in ClinVar's aggregate classification.
Comment: This variant is considered likely benign or benign based on one or more of the following criteria: it is a conservative change, it occurs at a poorly conserved position in the protein, it is predicted to be benign by multiple in silico algorithms, and/or has population frequency not consistent with disease.

Counsyl
Classification: Benign for Breast-ovarian cancer, familial 2. Last evaluated: 2014-02-19. Review status: no assertion criteria provided. Collection method: literature only. Allele origin: unknown. Inheritance: Autosomal dominant inheritance. Not counted in ClinVar's aggregate classification.

Breast Cancer Information Core (BIC) (BRCA2)
Classification: Uncertain significance for Breast-ovarian cancer, familial 2. Last evaluated: 1998-07-10. Review status: no assertion criteria provided. Collection method: clinical testing. Allele origin: germline. Affected: yes. Observed: 15 variant alleles. Not counted in ClinVar's aggregate classification.

Clinical Genetics Laboratory, Department of Pathology, Netherlands Cancer Institute
Classification: Benign. Review status: no assertion criteria provided. Collection method: clinical testing. Allele origin: germline. Affected: yes. Study: VKGL Data-share Consensus. Not counted in ClinVar's aggregate classification.

Diagnostic Laboratory, Department of Genetics, University Medical Center Groningen
Classification: Benign for Breast-ovarian cancer, familial, susceptibility to, 2. Review status: no assertion criteria provided. Collection method: clinical testing. Allele origin: germline. Affected: yes. Study: VKGL Data-share Consensus. Not counted in ClinVar's aggregate classification.

Joint Genome Diagnostic Labs from Nijmegen and Maastricht, Radboudumc and MUMC+
Classification: Benign. Review status: no assertion criteria provided. Collection method: clinical testing. Allele origin: germline. Affected: yes. Study: VKGL Data-share Consensus. Not counted in ClinVar's aggregate classification.

Literature cited by the submitters: DOI 10.3389/fgene.2022.834265 (cited by National Health Laboratory Service, Universitas Academic Hospital and University of the Free State); PubMed 20104584 (cited by Women's Health and Genetics/Laboratory Corporation of America, LabCorp and Counsyl); PubMed 12955716 (cited by Women's Health and Genetics/Laboratory Corporation of America, LabCorp); PubMed 21735045 (cited by Women's Health and Genetics/Laboratory Corporation of America, LabCorp and Counsyl); PubMed 22505045 (cited by Women's Health and Genetics/Laboratory Corporation of America, LabCorp and Counsyl); PubMed 16619214 (cited by Women's Health and Genetics/Laboratory Corporation of America, LabCorp and Counsyl); PubMed 22874498 (cited by Women's Health and Genetics/Laboratory Corporation of America, LabCorp).